The following is an entry in ClinVar:

NM_001354604.2(MITF):c.1336A>G (p.Thr446Ala)

Gene: MITF (melanocyte inducing transcription factor; plus strand). Cytogenetic location: 3p13.
Variant type: single nucleotide variant.
Coding change: c.1336A>G on transcript NM_001354604.2 (MANE Select); coding-DNA position 1336, A replaced by G.
Protein change: p.Thr446Ala; replaces threonine 446 with alanine.
Molecular consequence: missense variant.
Genome position (GRCh38, 1-based): chr3:69,965,003, A>G. VCF-style: chr3-69965003-A-G. GRCh37 (hg19) VCF-style: chr3-70014154-A-G.
Other names: c.1015A>G, p.Thr339Ala (NM_000248.4); c.1162A>G, p.Thr388Ala (NM_001184967.2, NM_001354608.2); c.1333A>G, p.Thr445Ala (NM_001354605.2); c.1315A>G, p.Thr439Ala (NM_001354606.2, NM_006722.3); c.1267A>G, p.Thr423Ala (NM_001354607.2); c.997A>G, p.Thr333Ala (NM_198158.3); c.1318A>G, p.Thr440Ala (NM_198159.3); c.1270A>G, p.Thr424Ala (NM_198177.3); and 1 more; short protein forms T277A, T333A, T339A, T388A, T423A, T424A, T439A, T440A.
Identifiers: ClinVar variation 2662831 (VCV002662831.4), dbSNP rs2471672437, ClinGen allele CA353559634.

ClinVar aggregate classification (germline): Uncertain significance. Review status: criteria provided, multiple submitters, no conflicts (2 of 4 stars). 3 submissions from 3 submitters: Uncertain significance (3). Last evaluated 2026-01-04.

Conditions:
Waardenburg syndrome type 2A (WS2A). Also called: WAARDENBURG SYNDROME WITHOUT DYSTOPIA CANTHORUM. Identifiers: Orphanet 3440, MedGen C1860339, MONDO:0008671, OMIM 193510.
Tietz syndrome (TADS). Also called: HYPOPIGMENTATION/DEAFNESS OF TIETZ; TIETZ ALBINISM-DEAFNESS SYNDROME; ALBINISM-DEAFNESS OF TIETZ. Identifiers: Orphanet 42665, MedGen C0391816, MONDO:0007077, OMIM 103500.
Melanoma, cutaneous malignant, susceptibility to, 8. Also called: MELANOMA AND RENAL CELL CARCINOMA, SUSCEPTIBILITY TO; Cutaneous malignant melanoma 8. Identifiers: Orphanet 293822, MedGen C3152204, MONDO:0013759, OMIM 614456.
Hereditary cancer-predisposing syndrome. Also called: Tumor predisposition; Hereditary Cancer Syndrome; Hereditary neoplastic syndrome; Neoplastic Syndromes, Hereditary. Identifiers: Orphanet 140162, MedGen C0027672, MeSH D009386, MONDO:0015356.

Allele frequency attached by ClinVar (database versions not stated): gnomAD exomes below 0.00001.
gnomAD v4.1: 2 of 1,614,122 alleles (0.00012%); highest among the groups gnomAD compares: Non-Finnish European, 0.00017%; no homozygotes.

Submissions (3):

Ambry Genetics
Classification: Uncertain significance for Hereditary cancer-predisposing syndrome. Last evaluated: 2026-01-04. Review status: criteria provided, single submitter. Criteria: Ambry Variant Classification Scheme 2023. Collection method: clinical testing. Allele origin: germline.
Comment: The p.T339A variant (also known as c.1015A>G), located in coding exon 9 of the MITF gene, results from an A to G substitution at nucleotide position 1015. The threonine at codon 339 is replaced by alanine, an amino acid with similar properties. This amino acid position is conserved. In addition, this alteration is predicted to be tolerated by in silico analysis. Based on the available evidence, the clinical significance of this variant remains unclear.

Labcorp Genetics (formerly Invitae), Labcorp
Classification: Uncertain significance for Melanoma, cutaneous malignant, susceptibility to, 8; Waardenburg syndrome type 2A; Tietz syndrome. Last evaluated: 2025-08-17. Review status: criteria provided, single submitter. Criteria: Invitae Variant Classification Sherloc (09022015). Collection method: clinical testing. Allele origin: germline.
Comment: This sequence change replaces threonine, which is neutral and polar, with alanine, which is neutral and non-polar, at codon 339 of the MITF protein (p.Thr339Ala). This variant is not present in population databases (gnomAD no frequency). This variant has not been reported in the literature in individuals affected with MITF-related conditions. ClinVar contains an entry for this variant (Variation ID: 2662831). Invitae Evidence Modeling of protein sequence and biophysical properties (such as structural, functional, and spatial information, amino acid conservation, physicochemical variation, residue mobility, and thermodynamic stability) indicates that this missense variant is not expected to disrupt MITF protein function with a negative predictive value of 80%. In summary, the available evidence is currently insufficient to determine the role of this variant in disease. Therefore, it has been classified as a Variant of Uncertain Significance.

GeneDx
Classification: Uncertain significance. Last evaluated: 2023-05-01. Review status: criteria provided, single submitter. Criteria: GeneDx Variant Classification Process June 2021. Collection method: clinical testing. Allele origin: germline. Affected: yes.
Comment: Not observed at significant frequency in large population cohorts (gnomAD); In silico analysis supports that this missense variant does not alter protein structure/function; Has not been previously published as pathogenic or benign to our knowledge